The following is an entry in ClinVar:

ClinVar aggregate classification (germline): Uncertain significance (1 of 4 stars; one submission).

Submission:

Ambry Genetics
Classification: Uncertain significance. Last evaluated: 2025-03-17. Review status: criteria provided, single submitter. Criteria: Ambry Variant Classification Scheme 2023. Collection method: clinical testing. Allele origin: germline.
Comment: The p.P1941R variant (also known as c.5822C>G), located in coding exon 23 of the WNK2 gene, results from a C to G substitution at nucleotide position 5822. The proline at codon 1941 is replaced by arginine, an amino acid with dissimilar properties. This amino acid position is conserved. In addition, this alteration is predicted to be deleterious by in silico analysis. Based on the available evidence, the clinical significance of this variant remains unclear.

NM_006648.4(WNK2):c.5822C>G (p.Pro1941Arg)

Gene: WNK2 (WNK lysine deficient protein kinase 2; plus strand). Cytogenetic location: 9q22.31.
Variant type: single nucleotide variant.
Coding change: c.5822C>G on transcript NM_006648.4 (MANE Select); coding-DNA position 5822, C replaced by G.
Protein change: p.Pro1941Arg; replaces proline 1941 with arginine.
Molecular consequence: missense variant.
Genome position (GRCh38, 1-based): chr9:93,297,966, C>G. VCF-style: chr9-93297966-C-G. GRCh37 (hg19) VCF-style: chr9-96060248-C-G.
Other names: c.5933C>G, p.Pro1978Arg (NM_001282394.3); short protein forms P1941R, P1978R.
Identifiers: ClinVar variation 3981661 (VCV003981661.1).